The following is an entry in ClinVar:

NM_001037333.3(CYFIP2):c.2620C>G (p.Pro874Ala)

Gene: CYFIP2 (cytoplasmic FMR1 interacting protein 2; plus strand). Cytogenetic location: 5q33.3.
Variant type: single nucleotide variant.
Coding change: c.2620C>G on transcript NM_001037333.3 (MANE Select); coding-DNA position 2620, C replaced by G.
Protein change: p.Pro874Ala; replaces proline 874 with alanine.
Molecular consequence: missense variant.
Genome position (GRCh38, 1-based): chr5:157,341,104, C>G. VCF-style: chr5-157341104-C-G. GRCh37 (hg19) VCF-style: chr5-156768112-C-G.
Other names: c.2542C>G, p.Pro848Ala (NM_001291721.2); c.2695C>G, p.Pro899Ala (NM_001291722.2); c.2620C>G, p.Pro874Ala (NM_014376.4); c.2620C>G (NM_001037333.1); short protein forms P874A, P899A, P848A.
Identifiers: ClinVar variation 1463923 (VCV001463923.7), dbSNP rs375088064, ClinGen allele CA3533911.

ClinVar aggregate classification (germline): Uncertain significance. Review status: criteria provided, multiple submitters, no conflicts (2 of 4 stars). 2 submissions from 2 submitters: Uncertain significance (2). Last evaluated 2025-05-25.

Conditions:
Inborn genetic diseases. Identifiers: MedGen C0950123, MeSH D030342.

Allele frequency attached by ClinVar (database versions not stated): gnomAD exomes below 0.00001; TOPMed below 0.00001; ExAC 0.00001; gnomAD 0.00001; ESP Exome Variant Server 0.00008.
gnomAD v4.1: 6 of 1,613,890 alleles (0.00037%); highest among the groups gnomAD compares: Non-Finnish European, 0.00051%; no homozygotes.

Submissions (2):

Ambry Genetics
Classification: Uncertain significance for Inborn genetic diseases. Last evaluated: 2025-05-25. Review status: criteria provided, single submitter. Criteria: Ambry Variant Classification Scheme 2023. Collection method: clinical testing. Allele origin: germline.

Labcorp Genetics (formerly Invitae), Labcorp
Classification: Uncertain significance. Last evaluated: 2024-01-10. Review status: criteria provided, single submitter. Criteria: Invitae Variant Classification Sherloc (09022015). Collection method: clinical testing. Allele origin: germline.
Comment: This sequence change replaces proline, which is neutral and non-polar, with alanine, which is neutral and non-polar, at codon 874 of the CYFIP2 protein (p.Pro874Ala). This variant is present in population databases (rs375088064, gnomAD 0.0009%). This variant has not been reported in the literature in individuals affected with CYFIP2-related conditions. ClinVar contains an entry for this variant (Variation ID: 1463923). Experimental studies and prediction algorithms are not available or were not evaluated, and the functional significance of this variant is currently unknown. In summary, the available evidence is currently insufficient to determine the role of this variant in disease. Therefore, it has been classified as a Variant of Uncertain Significance.